The following is an entry in ClinVar:

ClinVar aggregate classification (germline): Uncertain significance (1 of 4 stars; one submission).

Conditions:
Chopra-Amiel-Gordon syndrome (CAGS). Also called: ANKRD17-Related Neurodevelopmental Syndrome. Identifiers: MedGen C5561975, MONDO:0859186, OMIM 619504.

Submission:

Institute of Human Genetics, University of Leipzig Medical Center
Classification: Uncertain significance for Chopra-Amiel-Gordon syndrome. Last evaluated: 2024-08-19. Review status: criteria provided, single submitter. Criteria: ACMG Guidelines, 2015. Collection method: clinical testing. Allele origin: unknown. Inheritance: Autosomal dominant inheritance. Affected: yes.
Comment: Criteria applied: PM2,PP2,PP3

NM_032217.5(ANKRD17):c.812T>C (p.Leu271Pro)

Gene: ANKRD17 (ankyrin repeat domain 17; minus strand). Cytogenetic location: 4q13.3.
Variant type: single nucleotide variant.
Coding change: c.812T>C on transcript NM_032217.5 (MANE Select); coding-DNA position 812, T replaced by C.
Protein change: p.Leu271Pro; replaces leucine 271 with proline.
Molecular consequence: missense variant.
Genome position (GRCh38, 1-based): chr4:73,156,059, A>G on the plus strand (T>C on the coding strand, the complement: ANKRD17 is on the minus strand). VCF-style: chr4-73156059-A-G. GRCh37 (hg19) VCF-style: chr4-74021776-A-G.
Other names: c.473T>C, p.Leu158Pro (NM_001286771.3); c.812T>C, p.Leu271Pro (NM_015574.2, NM_198889.3); short protein forms L158P, L271P.
Identifiers: ClinVar variation 3359068 (VCV003359068.2).